The following is an entry in ClinVar:

ClinVar aggregate classification (germline): Benign/Likely benign. Review status: criteria provided, multiple submitters, no conflicts (2 of 4 stars). 14 submissions from 14 submitters: Benign (5); Likely benign (9). Last evaluated 2026-01-22.

Conditions:
Tuberous sclerosis 1 (TSC1). Identifiers: Orphanet 805, MedGen C1854465, MONDO:0008612, OMIM 191100.
TSC1-related disorder. Also called: TSC1-related condition.
Hereditary cancer-predisposing syndrome. Also called: Tumor predisposition; Hereditary Cancer Syndrome; Hereditary neoplastic syndrome; Neoplastic Syndromes, Hereditary. Identifiers: Orphanet 140162, MedGen C0027672, MeSH D009386, MONDO:0015356.
Isolated focal cortical dysplasia type II (FCORD2). Also called: Focal cortical dysplasia type II; CORTICAL DYSPLASIA OF TAYLOR. Identifiers: Orphanet 268994, MedGen C1846385, MONDO:0011818, OMIM 607341, HP:0032051.
Lymphangiomyomatosis (LAM). Also called: Lymphangioleiomyomatosis; Lymphangioleiomyomatosis, somatic. Identifiers: Orphanet 538, MedGen C0751674, MONDO:0011705, OMIM 606690.
Tuberous sclerosis syndrome (TSC). Also called: Tuberous Sclerosis Complex; Tuberous sclerosis. Identifiers: Orphanet 805, MedGen C0041341, MONDO:0001734.

Allele frequency attached by ClinVar (database versions not stated): gnomAD 0.00009 and 0.00003; gnomAD exomes 0.00009 and 0.00015; ExAC 0.00015; 1000 Genomes Project 0.00040; TOPMed 0.00003.

Submissions (14):

Labcorp Genetics (formerly Invitae), Labcorp
Classification: Benign for Tuberous sclerosis 1. Last evaluated: 2026-01-22. Review status: criteria provided, single submitter. Criteria: Invitae Variant Classification Sherloc (09022015). Collection method: clinical testing. Allele origin: germline.

Women's Health and Genetics/Laboratory Corporation of America, LabCorp
Classification: Benign. Last evaluated: 2025-06-19. Review status: criteria provided, single submitter. Criteria: LabCorp Variant Classification Summary - May 2015. Collection method: clinical testing. Allele origin: germline.

CeGaT Center for Human Genetics Tuebingen
Classification: Likely benign. Last evaluated: 2025-05-01. Review status: criteria provided, single submitter. Criteria: CeGaT Center For Human Genetics Tuebingen Variant Classification Criteria Version 2. Collection method: clinical testing. Allele origin: germline. Affected: yes. Observed: 1 variant allele.
Comment: TSC1: BP4, BP7

Myriad Genetics, Inc.
Classification: Benign for Tuberous sclerosis 1. Last evaluated: 2025-04-29. Review status: criteria provided, single submitter. Criteria: Myriad Autosomal Dominant, Autosomal Recessive and X-Linked Classification Criteria (2023). Collection method: clinical testing. Allele origin: unknown.
Comment: This variant is considered benign. This variant is a silent/synonymous amino acid change and it is not expected to impact splicing.

Quest Diagnostics Nichols Institute San Juan Capistrano
Classification: Benign. Last evaluated: 2024-12-13. Review status: criteria provided, single submitter. Criteria: Quest Diagnostics criteria. Collection method: clinical testing. Allele origin: unknown.

PreventionGenetics, part of Exact Sciences
Classification: Likely benign for TSC1-related condition. Last evaluated: 2024-10-17. Review status: criteria provided, single submitter. Criteria: ACMG Guidelines, 2015. Collection method: clinical testing. Allele origin: germline.
Comment: This variant is classified as likely benign based on ACMG/AMP sequence variant interpretation guidelines (Richards et al. 2015 PMID: 25741868, with internal and published modifications).

Color Diagnostics, LLC DBA Color Health
Classification: Likely benign for Tuberous sclerosis syndrome. Last evaluated: 2024-01-30. Review status: criteria provided, single submitter. Criteria: ACMG Guidelines, 2015. Collection method: clinical testing. Allele origin: germline.

Blueprint Genetics
Classification: Likely benign. Last evaluated: 2023-12-28. Review status: criteria provided, single submitter. Criteria: ACMG Guidelines, 2015. Collection method: clinical testing. Allele origin: germline.

ARUP Laboratories, Molecular Genetics and Genomics, ARUP Laboratories
Classification: Likely benign. Last evaluated: 2022-02-24. Review status: criteria provided, single submitter. Criteria: ARUP Molecular Germline Variant Investigation Process 2021. Collection method: clinical testing. Allele origin: germline.

Sema4
Classification: Likely benign for Hereditary cancer-predisposing syndrome. Last evaluated: 2022-01-15. Review status: criteria provided, single submitter. Criteria: Sema4 Curation Guidelines. Collection method: curation. Allele origin: germline.

Genome-Nilou Lab
Classification: Benign for Tuberous sclerosis 1. Last evaluated: 2021-11-07. Review status: criteria provided, single submitter. Criteria: ACMG Guidelines, 2015. Collection method: clinical testing. Allele origin: germline. Affected: no.

Fulgent Genetics
Classification: Likely benign for Tuberous sclerosis 1; Lymphangiomyomatosis; Isolated focal cortical dysplasia type II. Last evaluated: 2021-08-24. Review status: criteria provided, single submitter. Criteria: ACMG Guidelines, 2015. Collection method: clinical testing. Allele origin: unknown.

Ambry Genetics
Classification: Likely benign for Hereditary cancer-predisposing syndrome. Last evaluated: 2020-07-31. Review status: criteria provided, single submitter. Criteria: Ambry Variant Classification Scheme 2023. Collection method: clinical testing. Allele origin: germline.

GeneDx
Classification: Likely benign. Last evaluated: 2018-06-01. Review status: criteria provided, single submitter. Criteria: GeneDx Variant Classification Process June 2021. Collection method: clinical testing. Allele origin: germline. Affected: yes.

NM_000368.5(TSC1):c.3129C>T (p.Ser1043=)

Gene: TSC1 (TSC complex subunit 1; minus strand). Cytogenetic location: 9q34.13.
Variant type: single nucleotide variant.
Coding change: c.3129C>T on transcript NM_000368.5 (MANE Select); coding-DNA position 3129, C replaced by T.
Protein change: p.Ser1043=; no amino-acid change (serine 1043 retained).
Molecular consequence: synonymous variant.
Genome position (GRCh38, 1-based): chr9:132,896,601, G>A on the plus strand (C>T on the coding strand, the complement: TSC1 is on the minus strand). VCF-style: chr9-132896601-G-A. GRCh37 (hg19) VCF-style: chr9-135771988-G-A.
Other names: c.3126C>T, p.Ser1042= (NM_001162426.2); c.2976C>T, p.Ser992= (NM_001162427.2); c.2766C>T, p.Ser922= (NM_001362177.2).
Identifiers: ClinVar variation 379664 (VCV000379664.39), dbSNP rs201192125, ClinGen allele CA035985.